The following is an entry in ClinVar:

ClinVar aggregate classification (germline): Uncertain significance. Review status: criteria provided, multiple submitters, no conflicts (2 of 4 stars). 5 submissions from 5 submitters: Uncertain significance (5). Last evaluated 2025-11-22.

Conditions:
Sulfite oxidase deficiency due to molybdenum cofactor deficiency type A. Also called: Molybdenum cofactor deficiency, complementation group A; Molybdenum Cofactor Deficiency A. Identifiers: Orphanet 308386, Orphanet 833, MedGen C1854988, MONDO:0009643, OMIM 252150.

Allele frequency attached by ClinVar (database versions not stated): TOPMed below 0.00001; gnomAD 0.00001; gnomAD exomes 0.00002.
gnomAD v4.1: 31 of 1,610,870 alleles (0.0019%); highest among the groups gnomAD compares: Middle Eastern, 0.016%; no homozygotes.

Submissions (5):

3billion
Classification: Uncertain significance for Sulfite oxidase deficiency due to molybdenum cofactor deficiency type A. Last evaluated: 2025-11-22. Review status: criteria provided, single submitter. Criteria: ACMG Guidelines, 2015. Collection method: clinical testing. Allele origin: germline. Affected: yes.
Comment: The variant is observed at an extremely low frequency in the gnomAD v4.1.0 dataset (total allele frequency: 0.002%). Predicted Consequence/Location: Missense variant. The majority of the known disease-causing variants of this gene are variants expected to result in premature termination of the protein. In silico tools predict the variant to alter splicing and produce an abnormal transcript [SpliceAI: 0.59 (>=0.2, moderate evidence for spliceogenicity)]. The same nucleotide change resulting in the same amino acid change has been previously reported to be associated with MOCS1-related disorder (PMID: 9921896). However, the evidence of pathogenicity is insufficient at this time. Therefore, this variant is classified as VUS according to the recommendation of ACMG/AMP guideline.

Fulgent Genetics
Classification: Uncertain significance for Sulfite oxidase deficiency due to molybdenum cofactor deficiency type A. Last evaluated: 2024-04-23. Review status: criteria provided, single submitter. Criteria: ACMG Guidelines, 2015. Collection method: clinical testing. Allele origin: germline.

Revvity Omics, Revvity
Classification: Uncertain significance for Sulfite oxidase deficiency due to molybdenum cofactor deficiency type A. Last evaluated: 2023-07-26. Review status: criteria provided, single submitter. Criteria: ACMG Guidelines, 2015. Collection method: clinical testing. Allele origin: germline.

Labcorp Genetics (formerly Invitae), Labcorp
Classification: Uncertain significance for Sulfite oxidase deficiency due to molybdenum cofactor deficiency type A. Last evaluated: 2022-08-10. Review status: criteria provided, single submitter. Criteria: Invitae Variant Classification Sherloc (09022015). Collection method: clinical testing. Allele origin: germline.
Comment: This sequence change replaces glycine, which is neutral and non-polar, with serine, which is neutral and polar, at codon 384 of the MOCS1 protein (p.Gly384Ser). This variant is present in population databases (rs751603831, gnomAD 0.007%). This missense change has been observed in individual(s) with molybdenum cofactor deficiency (PMID: 9921896). ClinVar contains an entry for this variant (Variation ID: 534542). Algorithms developed to predict the effect of missense changes on protein structure and function are either unavailable or do not agree on the potential impact of this missense change (SIFT: "Deleterious"; PolyPhen-2: "Probably Damaging"; Align-GVGD: "Class C0"). Experimental studies have shown that this missense change affects MOCS1 function (PMID: 11891227). Algorithms developed to predict the effect of sequence changes on RNA splicing suggest that this variant may disrupt the consensus splice site. In summary, the available evidence is currently insufficient to determine the role of this variant in disease. Therefore, it has been classified as a Variant of Uncertain Significance.

Neuberg Centre For Genomic Medicine, NCGM
Classification: Uncertain significance for Sulfite oxidase deficiency due to molybdenum cofactor deficiency type A. Review status: criteria provided, single submitter. Criteria: ACMG Guidelines, 2015. Collection method: clinical testing. Allele origin: germline. Inheritance: Autosomal dominant inheritance. Affected: yes.
Comment: The missense variant in c.1150G>A(p.Glu384Lys) in MOCS1 gene has not been reported previously as a pathogenic variant nor as a benign variant, to our knowledge. The p.Glu384Lys variant is novel (not in any individuals) in gnomAD Exomes and 1000 Genomes and has an allele frequency of 0.003203% from gnomAD database. This variant has been reported to the ClinVar database as Uncertain Significance (VUS). The amino acid change p.Glu384Lys in MOCS1 is predicted as conserved by GERP++ and PhyloP across 100 vertebrates. The amino acid Glu at position 384 is changed to a Lys changing protein sequence and it might alter its composition and physico-chemical properties. For these reasons, this variant has been classified as Variant of Uncertain Significance (VUS).

Literature cited by the submitters: PubMed 9921896 (cited by 3billion and Labcorp Genetics (formerly Invitae), Labcorp); PubMed 11891227 (cited by Labcorp Genetics (formerly Invitae), Labcorp).

NM_001358530.2(MOCS1):c.1150G>A (p.Glu384Lys)

Gene: MOCS1 (molybdenum cofactor synthesis 1; minus strand). Cytogenetic location: 6p21.2.
Variant type: single nucleotide variant.
Coding change: c.1150G>A on transcript NM_001358530.2 (MANE Select); coding-DNA position 1150, G replaced by A.
Protein change: p.Glu384Lys; replaces glutamic acid 384 with lysine.
Molecular consequence: missense variant. On other transcripts: intron variant (1).
Genome position (GRCh38, 1-based): chr6:39,909,055, C>T on the plus strand (G>A on the coding strand, the complement: MOCS1 is on the minus strand). VCF-style: chr6-39909055-C-T. GRCh37 (hg19) VCF-style: chr6-39876831-C-T.
Other names: c.1150G>A, p.Gly384Ser (NM_001075098.4, NM_005943.6); c.889G>A, p.Glu297Lys (NM_001358531.2); c.889G>A, p.Gly297Ser (NM_001358533.2, NM_001358534.2); c.1102+780G>A (NM_001358529.2); short protein forms G384S, G297S, E297K, E384K.
Identifiers: ClinVar variation 534542 (VCV000534542.17), dbSNP rs751603831, ClinGen allele CA137648082.